The following is an entry in ClinVar:

NM_000051.4(ATM):c.8965C>T (p.Gln2989Ter)

Genes: ATM (ATM serine/threonine kinase; plus strand), C11orf65 (chromosome 11 open reading frame 65; minus strand). Cytogenetic location: 11q22.3.
Variant type: single nucleotide variant.
Coding change: c.8965C>T on transcript NM_000051.4 (MANE Select); coding-DNA position 8965, C replaced by T.
Protein change: p.Gln2989Ter; replaces glutamine 2989 with a stop codon.
Molecular consequence: nonsense. On other transcripts: intron variant (2).
Genome position (GRCh38, 1-based): chr11:108,365,196, C>T. VCF-style: chr11-108365196-C-T. GRCh37 (hg19) VCF-style: chr11-108235923-C-T.
Other names: c.8965C>T, p.Gln2989Ter (NM_001351834.2); c.640+20724G>A (NM_001330368.2); c.694+20724G>A (NM_001351110.2); short protein forms Q2989*.
Identifiers: ClinVar variation 846365 (VCV000846365.51), dbSNP rs147695170, ClinGen allele CA382530325.
Genomic context (GRCh38, chr11:108,365,196, plus strand): 5'-TATTTACAGCAGAGGCCGGAAGATGAAACTGAGCTTCACCCTACTCTGAATGCAGATGAC[C>T]AAGAATGCAAACGAAATCTCAGGTGAGCAGTATTTTAAGAAGGTCCTGTTGTCAGTTTTT-3'

ClinVar aggregate classification (germline): Pathogenic. Review status: criteria provided, multiple submitters, no conflicts (2 of 4 stars). 3 submissions from 3 submitters: Pathogenic (3). Last evaluated 2025-03-02.

Conditions:
Hereditary cancer-predisposing syndrome. Also called: Tumor predisposition; Neoplastic Syndromes, Hereditary; Hereditary Cancer Syndrome; Hereditary neoplastic syndrome. Identifiers: Orphanet 140162, MedGen C0027672, MeSH D009386, MONDO:0015356.
Familial cancer of breast. Also called: Hereditary breast cancer; BREAST CANCER, FAMILIAL; hereditary breast carcinoma. Identifiers: Orphanet 227535, MedGen C0346153, MONDO:0016419, OMIM 114480. Disease mechanism: loss of function.
Ataxia-telangiectasia syndrome (AT). Also called: ATAXIA-TELANGIECTASIA, COMPLEMENTATION GROUP A; ATAXIA-TELANGIECTASIA, FRESNO VARIANT; Ataxia-telangiectasia; Ataxia-telangiectasia, complementation group D; AT, COMPLEMENTATION GROUP C; Ataxia-telangiectasia, complementation group E. Identifiers: Orphanet 100, MedGen C0004135, MONDO:0008840, OMIM 208900.

Allele frequency attached by ClinVar (database versions not stated): TOPMed 0.00001.

Submissions (3):

Labcorp Genetics (formerly Invitae), Labcorp
Classification: Pathogenic for Ataxia-telangiectasia syndrome. Last evaluated: 2025-03-02. Review status: criteria provided, single submitter. Criteria: Invitae Variant Classification Sherloc (09022015). Collection method: clinical testing. Allele origin: germline.
Comment: This sequence change creates a premature translational stop signal (p.Gln2989*) in the ATM gene. While this is not anticipated to result in nonsense mediated decay, it is expected to disrupt the last 68 amino acid(s) of the ATM protein. This variant is not present in population databases (gnomAD no frequency). This variant has not been reported in the literature in individuals affected with ATM-related conditions. ClinVar contains an entry for this variant (Variation ID: 846365). This variant disrupts a region of the ATM protein in which other variant(s) (p.Arg2993*) have been determined to be pathogenic (PMID: 12815592, 16238588, 17124347, 20840352, 23322442, 23774824). This suggests that this is a clinically significant region of the protein, and that variants that disrupt it are likely to be disease-causing. For these reasons, this variant has been classified as Pathogenic.

Myriad Genetics, Inc.
Classification: Pathogenic for Familial cancer of breast. Last evaluated: 2023-01-13. Review status: criteria provided, single submitter. Criteria: Myriad Autosomal Dominant, Autosomal Recessive and X-Linked Classification Criteria (2023). Collection method: clinical testing. Allele origin: unknown.
Comment: This variant is considered pathogenic. This variant creates a termination codon and is predicted to result in premature protein truncation.

Color Diagnostics, LLC DBA Color Health
Classification: Pathogenic for Hereditary cancer-predisposing syndrome. Last evaluated: 2019-10-28. Review status: criteria provided, single submitter. Criteria: ACMG Guidelines, 2015. Collection method: clinical testing. Allele origin: germline.
Comment: This variant changes 1 nucleotide in exon 62 of the ATM gene, creating a premature translation stop signal. This variant is expected to result in an absent or non-functional protein product. Splice site prediction tools suggest that this variant may not impact RNA splicing. To our knowledge, functional studies have not been performed for this variant. This variant has not been reported in individuals affected with hereditary cancer in the literature. This variant has not been identified in the general population by the Genome Aggregation Database (gnomAD). Loss of ATM function is a known mechanism of disease. Based on the available evidence, this variant is classified as Pathogenic.

Literature cited by the submitters: PubMed 12815592 (cited by Labcorp Genetics (formerly Invitae), Labcorp); PubMed 16238588 (cited by Labcorp Genetics (formerly Invitae), Labcorp); PubMed 17124347 (cited by Labcorp Genetics (formerly Invitae), Labcorp); PubMed 20840352 (cited by Labcorp Genetics (formerly Invitae), Labcorp); PubMed 23322442 (cited by Labcorp Genetics (formerly Invitae), Labcorp); PubMed 23774824 (cited by Labcorp Genetics (formerly Invitae), Labcorp).